The following is an entry in ClinVar:

NM_016203.4(PRKAG2):c.1333A>G (p.Ile445Val)

Gene: PRKAG2 (protein kinase AMP-activated non-catalytic subunit gamma 2; minus strand). Cytogenetic location: 7q36.1.
Variant type: single nucleotide variant.
Coding change: c.1333A>G on transcript NM_016203.4 (MANE Select); coding-DNA position 1333, A replaced by G.
Protein change: p.Ile445Val; replaces isoleucine 445 with valine.
Molecular consequence: missense variant.
Genome position (GRCh38, 1-based): chr7:151,565,786, T>C on the plus strand (A>G on the coding strand, the complement: PRKAG2 is on the minus strand). VCF-style: chr7-151565786-T-C. GRCh37 (hg19) VCF-style: chr7-151262872-T-C.
Other names: c.1201A>G, p.Ile401Val (NM_001040633.2); c.958A>G, p.Ile320Val (NM_001304527.2); c.610A>G, p.Ile204Val (NM_001304531.2, NM_024429.2); c.961A>G, p.Ile321Val (NM_001363698.2); c.1333A>G (NM_016203.3); short protein forms I204V, I321V, I401V, I445V, I320V.
Identifiers: ClinVar variation 1372961 (VCV001372961.8), dbSNP rs1344209675, ClinGen allele CA370070999.
Genomic context (GRCh38, chr7:151,565,786, plus strand): 5'-CATCCACAACAGGCAGAGCTGATATTCGTCTTTCCACAAATATGTTCAAGGCTTTGATGA[T>C]GGGAGTGTCTGGATGTATGAAGGCAATGTTGTGGTACGTTCCTATTCCAAGCTCATCCAG-3'
Protein context (NP_057287.2, residues 435-455): NIAFIHPDTP[Ile445Val]IKALNIFVER

ClinVar aggregate classification (germline): Uncertain significance. Review status: criteria provided, multiple submitters, no conflicts (2 of 4 stars). 3 submissions from 3 submitters: Uncertain significance (3). Last evaluated 2025-09-21.

Conditions:
Cardiovascular phenotype. Identifiers: MedGen CN230736.
Lethal congenital glycogen storage disease of heart. Also called: GLYCOGEN STORAGE DISEASE OF HEART; PHOSPHORYLASE KINASE DEFICIENCY OF HEART. Identifiers: Orphanet 439854, MedGen C1849813, MONDO:0009867, OMIM 261740.
Hypertrophic cardiomyopathy. Also called: HYPERTROPHIC MYOCARDIOPATHY. Identifiers: Orphanet 217569, MedGen C0007194, MeSH D002312, MONDO:0005045, HP:0001639.

Allele frequency attached by ClinVar (database versions not stated): gnomAD exomes below 0.00001.
gnomAD v4.1: 2 of 1,612,856 alleles (0.00012%); highest among the groups gnomAD compares: Admixed American, 0.0033%; no homozygotes.

Submissions (3):

Ambry Genetics
Classification: Uncertain significance for Cardiovascular phenotype. Last evaluated: 2025-09-21. Review status: criteria provided, single submitter. Criteria: Ambry Variant Classification Scheme 2023. Collection method: clinical testing. Allele origin: germline.
Comment: The p.I445V variant (also known as c.1333A>G), located in coding exon 12 of the PRKAG2 gene, results from an A to G substitution at nucleotide position 1333. The isoleucine at codon 445 is replaced by valine, an amino acid with highly similar properties. This amino acid position is conserved. In addition, the in silico prediction for this alteration is inconclusive. Based on the available evidence, the clinical significance of this variant remains unclear.

Labcorp Genetics (formerly Invitae), Labcorp
Classification: Uncertain significance for Lethal congenital glycogen storage disease of heart. Last evaluated: 2024-10-25. Review status: criteria provided, single submitter. Criteria: Invitae Variant Classification Sherloc (09022015). Collection method: clinical testing. Allele origin: germline.
Comment: This sequence change replaces isoleucine, which is neutral and non-polar, with valine, which is neutral and non-polar, at codon 445 of the PRKAG2 protein (p.Ile445Val). This variant is present in population databases (no rsID available, gnomAD 0.003%). This variant has not been reported in the literature in individuals affected with PRKAG2-related conditions. ClinVar contains an entry for this variant (Variation ID: 1372961). Invitae Evidence Modeling of protein sequence and biophysical properties (such as structural, functional, and spatial information, amino acid conservation, physicochemical variation, residue mobility, and thermodynamic stability) indicates that this missense variant is not expected to disrupt PRKAG2 protein function with a negative predictive value of 95%. In summary, the available evidence is currently insufficient to determine the role of this variant in disease. Therefore, it has been classified as a Variant of Uncertain Significance.

All of Us Research Program, National Institutes of Health
Classification: Uncertain significance for Hypertrophic cardiomyopathy. Last evaluated: 2023-07-10. Review status: criteria provided, single submitter. Criteria: ACMG Guidelines, 2015. Collection method: clinical testing. Allele origin: germline. Inheritance: Autosomal dominant inheritance. Observed: 1 variant allele, 1 heterozygote.
Comment: This missense variant replaces isoleucine with valine at codon 445 of the PRKAG2 protein. Computational prediction suggests that this variant may not impact protein structure and function (internally defined REVEL score threshold <= 0.5, PMID: 27666373). To our knowledge, functional studies have not been reported for this variant. This variant has not been reported in individuals affected with PRKAG2-related disorders in the literature. This variant has been identified in 1/251458 chromosomes in the general population by the Genome Aggregation Database (gnomAD). The available evidence is insufficient to determine the role of this variant in disease conclusively. Therefore, this variant is classified as a Variant of Uncertain Significance.

This study involves interpretation of variants in research participants for the purpose of population health screening. Participant phenotype was not available at the time of variant classification. Additional details can be found in publication PMID: 35346344, PMCID: PMC8962531